The following is an entry in ClinVar:

NM_144701.3(IL23R):c.259C>T (p.Leu87Phe)

Gene: IL23R (interleukin 23 receptor; plus strand). Cytogenetic location: 1p31.3.
Variant type: single nucleotide variant.
Coding change: c.259C>T on transcript NM_144701.3 (MANE Select); coding-DNA position 259, C replaced by T.
Protein change: p.Leu87Phe; replaces leucine 87 with phenylalanine.
Molecular consequence: missense variant.
Genome position (GRCh38, 1-based): chr1:67,169,530, C>T. VCF-style: chr1-67169530-C-T. GRCh37 (hg19) VCF-style: chr1-67635213-C-T.
Other names: short protein forms L87F.
Identifiers: ClinVar variation 2852726 (VCV002852726.3), dbSNP rs1646915882, ClinGen allele CA340732515.

ClinVar aggregate classification (germline): Uncertain significance (1 of 4 stars; one submission).

Allele frequency attached by ClinVar (database versions not stated): gnomAD exomes below 0.00001; TOPMed 0.00001.

Submission:

Labcorp Genetics (formerly Invitae), Labcorp
Classification: Uncertain significance. Last evaluated: 2023-04-06. Review status: criteria provided, single submitter. Criteria: Invitae Variant Classification Sherloc (09022015). Collection method: clinical testing. Allele origin: germline.
Comment: This sequence change replaces leucine, which is neutral and non-polar, with phenylalanine, which is neutral and non-polar, at codon 87 of the IL23R protein (p.Leu87Phe). This variant is not present in population databases (gnomAD no frequency). This variant has not been reported in the literature in individuals affected with IL23R-related conditions. An algorithm developed to predict the effect of missense changes on protein structure and function (PolyPhen-2) suggests that this variant is likely to be disruptive. In summary, the available evidence is currently insufficient to determine the role of this variant in disease. Therefore, it has been classified as a Variant of Uncertain Significance.